The following is an entry in ClinVar:

ClinVar aggregate classification (germline): Uncertain significance. Review status: criteria provided, single submitter (1 of 4 stars). 2 submissions from 2 submitters: Uncertain significance (1). 1 of the submissions does not count toward it. Last evaluated 2020-02-26.

Conditions:
Leber congenital amaurosis 5 (LCA5). Also called: Amaurosis congenita of Leber, type 5. Identifiers: Orphanet 65, MedGen C1858301, MONDO:0011473, OMIM 604537.

Submissions (2):

Labcorp Genetics (formerly Invitae), Labcorp
Classification: Uncertain significance. Last evaluated: 2020-02-26. Review status: criteria provided, single submitter. Criteria: Invitae Variant Classification Sherloc (09022015). Collection method: clinical testing. Allele origin: germline.
Comment: In summary, the available evidence is currently insufficient to determine the role of this variant in disease. Therefore, it has been classified as a Variant of Uncertain Significance. This sequence change replaces arginine with glycine at codon 174 of the LCA5 protein (p.Arg174Gly). The arginine residue is moderately conserved and there is a moderate physicochemical difference between arginine and glycine. This variant is not present in population databases (ExAC no frequency). This variant has not been reported in the literature in individuals with LCA5-related conditions. Algorithms developed to predict the effect of missense changes on protein structure and function are either unavailable or do not agree on the potential impact of this missense change (SIFT: "Deleterious"; PolyPhen-2: "Probably Damaging"; Align-GVGD: "Class C0").

Natera, Inc.
Classification: Uncertain significance for Leber congenital amaurosis type 5. Last evaluated: 2025-04-11. Review status: no assertion criteria provided. Collection method: clinical testing. Allele origin: germline. Not counted in ClinVar's aggregate classification.

NM_001122769.3(LCA5):c.520C>G (p.Arg174Gly)

Gene: LCA5 (lebercilin LCA5; minus strand). Cytogenetic location: 6q14.1.
Variant type: single nucleotide variant.
Coding change: c.520C>G on transcript NM_001122769.3 (MANE Select); coding-DNA position 520, C replaced by G.
Protein change: p.Arg174Gly; replaces arginine 174 with glycine.
Molecular consequence: missense variant.
Genome position (GRCh38, 1-based): chr6:79,513,412, G>C on the plus strand (C>G on the coding strand, the complement: LCA5 is on the minus strand). VCF-style: chr6-79513412-G-C. GRCh37 (hg19) VCF-style: chr6-80223129-G-C.
Other names: c.520C>G, p.Arg174Gly (NM_181714.4); c.520C>G (NM_181714.3); short protein forms R174G.
Identifiers: ClinVar variation 1020200 (VCV001020200.9), dbSNP rs374629518, ClinGen allele CA364628704.
Genomic context (GRCh38, chr6:79,513,412, plus strand): 5'-TTTCTGTATCTTTTACCCTTTTCTCAGTTGCCCGTTCTTTCTCTTGAGATTTTCTTAAGC[G>C]TTCTTTGAGTGCTGTAATCTCATTGTTATGACGAAATATAAGTTGTGAGATTTCATTTTC-3'
Protein context (NP_001116241.1, residues 164-184): HNNEITALKE[Arg174Gly]LRKSQEKERA